The following is an entry in ClinVar:

NM_182760.4(SUMF1):c.883G>C (p.Val295Leu)

Gene: SUMF1 (sulfatase modifying factor 1; minus strand). Cytogenetic location: 3p26.1.
Variant type: single nucleotide variant.
Coding change: c.883G>C on transcript NM_182760.4 (MANE Select); coding-DNA position 883, G replaced by C.
Protein change: p.Val295Leu; replaces valine 295 with leucine.
Molecular consequence: missense variant.
Genome position (GRCh38, 1-based): chr3:4,410,936, C>G on the plus strand (G>C on the coding strand, the complement: SUMF1 is on the minus strand). VCF-style: chr3-4410936-C-G. GRCh37 (hg19) VCF-style: chr3-4452620-C-G.
Other names: c.808G>C, p.Val270Leu (NM_001164674.2); c.883G>C, p.Val295Leu (NM_001164675.2); short protein forms V270L, V295L.
Identifiers: ClinVar variation 2153845 (VCV002153845.1), dbSNP rs2469826006, ClinGen allele CA351631400.
Genomic context (GRCh38, chr3:4,410,936, plus strand): 5'-TTTCTTCAACAGAATGATGAACAGTCCACCAGTCTGAAGTCCATTCCCATGCGTTCCCCA[C>G]TATGTTGTATAAGCCATAACCATTGGGAGGGAAGGCATCAACCTAAAAACAAAGACAGGA-3'
Protein context (NP_877437.2, residues 285-305): PPNGYGLYNI[Val295Leu]GNAWEWTSDW

ClinVar aggregate classification (germline): Uncertain significance (1 of 4 stars; one submission).

Conditions:
Multiple sulfatase deficiency (MSD). Also called: Multiple Sulfatase Deficiency Disease; Sulfatidosis, Juvenile, Austin Type; Mucosulfatidosis. Identifiers: Orphanet 585, MedGen C0268263, MONDO:0010088, OMIM 272200.

Submission:

Labcorp Genetics (formerly Invitae), Labcorp
Classification: Uncertain significance for Multiple sulfatase deficiency. Last evaluated: 2022-08-16. Review status: criteria provided, single submitter. Criteria: Invitae Variant Classification Sherloc (09022015). Collection method: clinical testing. Allele origin: germline.
Comment: This sequence change replaces valine, which is neutral and non-polar, with leucine, which is neutral and non-polar, at codon 295 of the SUMF1 protein (p.Val295Leu). This variant is not present in population databases (gnomAD no frequency). This variant has not been reported in the literature in individuals affected with SUMF1-related conditions. Algorithms developed to predict the effect of missense changes on protein structure and function (SIFT, PolyPhen-2, Align-GVGD) all suggest that this variant is likely to be disruptive. In summary, the available evidence is currently insufficient to determine the role of this variant in disease. Therefore, it has been classified as a Variant of Uncertain Significance.